The following is an entry in ClinVar:

ClinVar aggregate classification (germline): Likely pathogenic (1 of 4 stars; one submission).

Conditions:
Aneurysm-osteoarthritis syndrome. Also called: SMAD3-Related Loeys-Dietz Syndrome; ANEURYSMS-OSTEOARTHRITIS SYNDROME; Loeys-Dietz syndrome, type 1C; LOEYS-DIETZ SYNDROME WITH OSTEOARTHRITIS. Identifiers: Orphanet 284984, MedGen C3151087, MONDO:0013426, OMIM 613795.

Submission:

All of Us Research Program, National Institutes of Health
Classification: Likely pathogenic for Aneurysm-osteoarthritis syndrome. Last evaluated: 2023-05-31. Review status: criteria provided, single submitter. Criteria: ACMG Guidelines, 2015. Collection method: clinical testing. Allele origin: germline. Inheritance: Autosomal dominant inheritance. Observed: 1 variant allele, 1 heterozygote.
Comment: The c.303_304insTC (p.Glu102Serfs*15) variant of the SMAD3 gene creates an early stop codon. It is expected to result in an absent or disrupted protein product. This variant has not been identified in the general population by the Genome Aggregation Database (gnomAD). Truncating variants in SMAD3 are known to be pathogenic (PMID: 21778426, 24804794). Therefore, the c.303_304insTC (p.Glu102Serfs*15) variant of the SMAD3 gene is classified as likely pathogenic.

This study involves interpretation of variants in research participants for the purpose of population health screening. Participant phenotype was not available at the time of variant classification. Additional details can be found in publication PMID: 35346344, PMCID: PMC8962531

Literature cited by the submitters: PubMed 21778426; PubMed 24804794.

NM_005902.4(SMAD3):c.303_304insTC (p.Glu102fs)

Gene: SMAD3 (SMAD family member 3; plus strand). Cytogenetic location: 15q22.33.
Variant type: Insertion.
Coding change: c.303_304insTC on transcript NM_005902.4 (MANE Select); coding-DNA positions 303 to 304, TC inserted.
Protein change: p.Glu102fs; shifts the reading frame from glutamic acid 102.
Molecular consequence: frameshift variant. On other transcripts: 5 prime UTR variant (3).
Genome position: GRCh38 VCF-style: chr15-67164990-A-ACT. GRCh37 (hg19) VCF-style: chr15-67457328-A-ACT.
Other names: c.-13_-12insTC (NM_001145102.2, NM_001407015.1, NM_001407016.1); c.171_172insTC, p.Glu58fs (NM_001145103.2); c.303_304insTC, p.Glu102fs (NM_001407011.1, NM_001407012.1, NM_001407013.1); c.156_157insTC, p.Glu53fs (NM_001407014.1); short protein forms E102fs, E53fs, E58fs.
Identifiers: ClinVar variation 3071438 (VCV003071438.1), dbSNP rs2505210242, ClinGen allele CA2825002293.
Genomic context (GRCh38, chr15:67,164,990, plus strand): 5'-AGGGGCTCCCTCATGTCATCTACTGCCGCCTGTGGCGATGGCCAGACCTGCACAGCCACC[A>ACT]CGAGCTACGGGCCATGGAGCTGTGTGAGTTCGCCTTCAATATGAAGAAGGACGAGGTCTG-3'